The following is an entry in ClinVar:

ClinVar aggregate classification (germline): Pathogenic/Likely pathogenic. Review status: criteria provided, multiple submitters, no conflicts (2 of 4 stars). 10 submissions from 9 submitters: Pathogenic (4); Likely pathogenic (4). 2 of the submissions do not count toward it. Last evaluated 2025-12-29.

Conditions:
Autosomal recessive nonsyndromic hearing loss 4 (DFNB4). Also called: Deafness, autosomal recessive 4; FOXI1-Related Pendred Syndrome; KCNJ10-Related Pendred Syndrome; DEAFNESS, AUTOSOMAL RECESSIVE 4, WITH ENLARGED VESTIBULAR AQUEDUCT, DIGENIC; Enlarged vestibular aqueduct, digenic; Nonsyndromic enlarged vestibular aqueduct (NSEVA). Identifiers: Orphanet 90636, MedGen C3538946, MONDO:0010933, OMIM 600791.
Pendred syndrome (PDS). Also called: DEAFNESS WITH GOITER; Pendred's syndrome; GOITER-DEAFNESS SYNDROME; HYPOTHYROIDISM, CONGENITAL, DUE TO DYSHORMONOGENESIS, 2B; THYROID DYSHORMONOGENESIS 2B; THYROID HORMONOGENESIS, GENETIC DEFECT IN, 2B. Identifiers: Orphanet 705, MedGen C0271829, MONDO:0010134, OMIM 274600.

Allele frequency attached by ClinVar (database versions not stated): TOPMed 0.00002; gnomAD 0.00003.
gnomAD v4.1: 9 of 1,550,506 alleles (0.00058%); highest among the groups gnomAD compares: Middle Eastern, 0.017%; no homozygotes.

Submissions (10):

Natera, Inc.
Classification: Likely pathogenic for Pendred syndrome. Last evaluated: 2025-12-29. Review status: criteria provided, single submitter. Criteria: Natera Variant Classification Schema (03/2026). Collection method: clinical testing. Allele origin: germline.
Comment: The c.1262A>C variant in SLC26A4 is a missense variant predicted to cause substitution of glutamine to proline at amino acid 421. This variant is rare in the general population with a frequency below the threshold expected for the associated phenotype(s). This variant has been observed in one or more individuals affected with the associated recessive disease, as either homozygous or compound heterozygous with a second variant (PMID: 24224479, 18585793, 28786104). Computational prediction algorithms indicate this variant is likely to affect gene or protein function. Given the available evidence, this variant is classified as Likely Pathogenic.

Labcorp Genetics (formerly Invitae), Labcorp
Classification: Pathogenic. Last evaluated: 2025-11-16. Review status: criteria provided, single submitter. Criteria: Invitae Variant Classification Sherloc (09022015). Collection method: clinical testing. Allele origin: germline.
Comment: This sequence change replaces glutamine, which is neutral and polar, with proline, which is neutral and non-polar, at codon 421 of the SLC26A4 protein (p.Gln421Pro). This variant is present in population databases (no rsID available, gnomAD 0.005%). This missense change has been observed in individual(s) with SLC26A4-related conditions (PMID: 17718863, 23918157, 24224479, 28964290). In at least one individual the data is consistent with being in trans (on the opposite chromosome) from a pathogenic variant. ClinVar contains an entry for this variant (Variation ID: 556159). An algorithm developed to predict the effect of missense changes on protein structure and function (PolyPhen-2) suggests that this variant is likely to be disruptive. Algorithms developed to predict the effect of sequence changes on RNA splicing suggest that this variant may disrupt the consensus splice site. For these reasons, this variant has been classified as Pathogenic.

GeneDx
Classification: Pathogenic. Last evaluated: 2025-06-27. Review status: criteria provided, single submitter. Criteria: GeneDx Variant Classification Process June 2021. Collection method: clinical testing. Allele origin: germline. Affected: yes.
Comment: Not observed at significant frequency in large population cohorts (gnomAD); In silico analysis supports that this missense variant has a deleterious effect on protein structure/function; In silico analysis is inconclusive as to whether the variant alters gene splicing. In the absence of RNA/functional studies, the actual effect of this sequence change is unknown.; This variant is associated with the following publications: (PMID: 26683941, 28964290, 27771369, 18585793, 19040761, 32645618, 35665479, 31033086, 37905486, 17718863, 31541171, 34628810, 35982127, 33928925, 32877901, 28786104, 38802577, 36597107, 38860500, 24224479)

Fulgent Genetics
Classification: Likely pathogenic for Pendred syndrome; Autosomal recessive nonsyndromic hearing loss 4. Last evaluated: 2024-03-05. Review status: criteria provided, single submitter. Criteria: ACMG Guidelines, 2015. Collection method: clinical testing. Allele origin: germline.

Baylor Genetics
Classification: Pathogenic for Autosomal recessive nonsyndromic hearing loss 4. Last evaluated: 2023-01-27. Review status: criteria provided, single submitter. Criteria: ACMG Guidelines, 2015. Collection method: clinical testing. Allele origin: unknown.

3billion
Classification: Pathogenic for Autosomal recessive nonsyndromic hearing loss 4. Last evaluated: 2022-09-01. Review status: criteria provided, single submitter. Criteria: ACMG Guidelines, 2015. Collection method: clinical testing. Allele origin: germline. Affected: yes. Observed: 1 heterozygote.
Comment: The variant is observed at an extremely low frequency in the gnomAD v2.1.1 dataset (total allele frequency: 0.001%). In silico tool predictions suggest damaging effect of the variant on gene or gene product (REVEL: 0.94; 3Cnet: 0.97). Same nucleotide change resulting in same amino acid change (ClinVar ID: VCV000556159 ) and different missense changes at the same codon (p.Gln421Arg, p.Gln421Leu/ ClinVar ID: VCV000430229 , VCV000691513 ) have been previously reported as pathogenic/likely pathogenic with strong evidence. The variant has been reported to be in trans with a pathogenic variant as either compound heterozygous or homozygous in at least one similarly affected unrelated individual (PMID: 23918157). Therefore, this variant is classified as Pathogenic according to the recommendation of ACMG/AMP guideline.

Genome-Nilou Lab
Classification: Likely pathogenic for Autosomal recessive nonsyndromic hearing loss 4. Last evaluated: 2021-09-05. Review status: criteria provided, single submitter. Criteria: ACMG Guidelines, 2015. Collection method: clinical testing. Allele origin: germline. Affected: no.

Genome-Nilou Lab
Classification: Likely pathogenic for Pendred syndrome. Last evaluated: 2021-09-05. Review status: criteria provided, single submitter. Criteria: ACMG Guidelines, 2015. Collection method: clinical testing. Allele origin: germline. Affected: no.

Genetic Testing Center for Deafness, Department of Otolaryngology Head & Neck Surgery, Institute of Otolaryngology, Chinese PLA General Hospital
Classification: Likely pathogenic for Autosomal recessive nonsyndromic hearing loss 4. Last evaluated: 2019-02-26. Review status: no assertion criteria provided. Collection method: case-control. Allele origin: inherited. Affected: yes. Observed: 3 variant alleles. Clinical features observed: hearing loss. Not counted in ClinVar's aggregate classification.

Counsyl
Classification: Likely pathogenic for Pendred syndrome. Last evaluated: 2018-01-22. Review status: no assertion criteria provided. Collection method: clinical testing. Allele origin: unknown. Not counted in ClinVar's aggregate classification.

Literature cited by the submitters: PubMed 24224479 (cited by Natera, Inc. and Labcorp Genetics (formerly Invitae), Labcorp); PubMed 18585793 (cited by Natera, Inc.); PubMed 28786104 (cited by Natera, Inc.); PubMed 17718863 (cited by Labcorp Genetics (formerly Invitae), Labcorp); PubMed 23918157 (cited by Labcorp Genetics (formerly Invitae), Labcorp and 3billion); PubMed 28964290 (cited by Labcorp Genetics (formerly Invitae), Labcorp).

NM_000441.2(SLC26A4):c.1262A>C (p.Gln421Pro)

Gene: SLC26A4 (solute carrier family 26 member 4; plus strand). Cytogenetic location: 7q22.3.
Variant type: single nucleotide variant.
Coding change: c.1262A>C on transcript NM_000441.2 (MANE Select); coding-DNA position 1262, A replaced by C.
Protein change: p.Gln421Pro; replaces glutamine 421 with proline.
Molecular consequence: missense variant.
Genome position (GRCh38, 1-based): chr7:107,690,236, A>C. VCF-style: chr7-107690236-A-C. GRCh37 (hg19) VCF-style: chr7-107330681-A-C.
Other names: short protein forms Q421P.
Identifiers: ClinVar variation 556159 (VCV000556159.19), dbSNP rs201660407, ClinGen allele CA368839337.
Genomic context (GRCh38, chr7:107,690,236, plus strand): 5'-TTGTGGCCACCACTGCTCTTTCCCGCACGGCCGTCCAGGAGAGCACTGGAGGAAAGACAC[A>C]GGTAGGAACAACAGCCTTATGATATCCATCTCAGAGAACAAGTCGAGGAATGGCAACAGA-3'
Protein context (NP_000432.1, residues 411-431): AVQESTGGKT[Gln421Pro]VAGIISAAIV